The following is an entry in ClinVar:

NM_004304.5(ALK):c.2361C>A (p.Asn787Lys)

Gene: ALK (ALK receptor tyrosine kinase; minus strand). Cytogenetic location: 2p23.2.
Variant type: single nucleotide variant.
Coding change: c.2361C>A on transcript NM_004304.5 (MANE Select); coding-DNA position 2361, C replaced by A.
Protein change: p.Asn787Lys; replaces asparagine 787 with lysine.
Molecular consequence: missense variant.
Genome position (GRCh38, 1-based): chr2:29,233,691, G>T on the plus strand (C>A on the coding strand, the complement: ALK is on the minus strand). VCF-style: chr2-29233691-G-T. GRCh37 (hg19) VCF-style: chr2-29456557-G-T.
Other names: short protein forms N787K.
Identifiers: ClinVar variation 951043 (VCV000951043.13), dbSNP rs777889776, ClinGen allele CA346472574.

ClinVar aggregate classification (germline): Uncertain significance. Review status: criteria provided, multiple submitters, no conflicts (2 of 4 stars). 2 submissions from 2 submitters: Uncertain significance (2). Last evaluated 2025-12-07.

Conditions:
Hereditary cancer-predisposing syndrome. Also called: Hereditary neoplastic syndrome; Tumor predisposition; Neoplastic Syndromes, Hereditary; Hereditary Cancer Syndrome. Identifiers: Orphanet 140162, MedGen C0027672, MeSH D009386, MONDO:0015356.
Neuroblastoma, susceptibility to, 3. Also called: ALK-Related Neuroblastic Tumor Susceptibility. Identifiers: Orphanet 635, MedGen C2751681, MONDO:0013083, OMIM 613014.

Allele frequency attached by ClinVar (database versions not stated): TOPMed below 0.00001.
gnomAD v4.1: 2 of 1,614,086 alleles (0.00012%); highest among the groups gnomAD compares: Non-Finnish European, 0.000085%; no homozygotes.

Submissions (2):

Ambry Genetics
Classification: Uncertain significance for Hereditary cancer-predisposing syndrome. Last evaluated: 2025-12-07. Review status: criteria provided, single submitter. Criteria: Ambry Variant Classification Scheme 2023. Collection method: clinical testing. Allele origin: germline.
Comment: The p.N787K variant (also known as c.2361C>A), located in coding exon 14 of the ALK gene, results from a C to A substitution at nucleotide position 2361. The asparagine at codon 787 is replaced by lysine, an amino acid with similar properties. This amino acid position is conserved. In addition, this alteration is predicted to be tolerated by in silico analysis. Since supporting evidence is limited at this time, the clinical significance of this alteration remains unclear.

Labcorp Genetics (formerly Invitae), Labcorp
Classification: Uncertain significance for Neuroblastoma, susceptibility to, 3. Last evaluated: 2023-12-08. Review status: criteria provided, single submitter. Criteria: Invitae Variant Classification Sherloc (09022015). Collection method: clinical testing. Allele origin: germline.
Comment: This sequence change replaces asparagine, which is neutral and polar, with lysine, which is basic and polar, at codon 787 of the ALK protein (p.Asn787Lys). This variant is not present in population databases (gnomAD no frequency). This variant has not been reported in the literature in individuals affected with ALK-related conditions. ClinVar contains an entry for this variant (Variation ID: 951043). An algorithm developed to predict the effect of missense changes on protein structure and function (PolyPhen-2) suggests that this variant is likely to be disruptive. In summary, the available evidence is currently insufficient to determine the role of this variant in disease. Therefore, it has been classified as a Variant of Uncertain Significance.